The following is an entry in ClinVar:

NM_022455.5(NSD1):c.6605G>A (p.Cys2202Tyr)

Gene: NSD1 (nuclear receptor binding SET domain protein 1; plus strand). Cytogenetic location: 5q35.3.
Variant type: single nucleotide variant.
Coding change: c.6605G>A on transcript NM_022455.5 (MANE Select); coding-DNA position 6605, G replaced by A.
Protein change: p.Cys2202Tyr; replaces cysteine 2202 with tyrosine.
Molecular consequence: missense variant.
Genome position (GRCh38, 1-based): chr5:177,293,973, G>A. VCF-style: chr5-177293973-G-A. GRCh37 (hg19) VCF-style: chr5-176720974-G-A.
Other names: c.5732G>A, p.Cys1911Tyr (NM_001365684.2, NM_001409308.1, NM_172349.5); c.6605G>A, p.Cys2202Tyr (NM_001409301.1, NM_001409302.1, NM_001409303.1); c.6185G>A, p.Cys2062Tyr (NM_001409304.1); c.5852G>A, p.Cys1951Tyr (NM_001409305.1); c.5843G>A, p.Cys1948Tyr (NM_001409306.1, NM_001409307.1); c.5483G>A, p.Cys1828Tyr (NM_001409309.1); short protein forms C2202Y, C1933Y, C1828Y, C1911Y, C1951Y, C1948Y, C2062Y.
Identifiers: ClinVar variation 4146 (VCV000004146.14), dbSNP rs121908071, ClinGen allele CA281548.
Genomic context (GRCh38, chr5:177,293,973, plus strand): 5'-TTTGTAAGCAGCATCGAGAAGGGATGCTTTTCATTTCCAAACTGGATGGGCGTCTGTCTT[G>A]TACTGAGCATGACCCCTGTGGGCCCAATCCTCTGGAACCTGGGGAGATCCGTGAGTATGT-3'
Protein context (NP_071900.2, residues 2192-2212): FISKLDGRLS[Cys2202Tyr]TEHDPCGPNP

ClinVar aggregate classification (germline): Pathogenic/Likely pathogenic. Review status: criteria provided, multiple submitters, no conflicts (2 of 4 stars). 3 submissions from 3 submitters: Pathogenic (1); Likely pathogenic (1). 1 of the submissions does not count toward it. Last evaluated 2022-05-20.

Conditions:
Sotos syndrome (SOTOS). Also called: Distinctive facial appearance, overgrowth in childhood, and learning disabilities or delayed development; CHROMOSOME 5q35 DELETION SYNDROME; Sotos' syndrome; SOTOS SYNDROME 1; CEREBRAL GIGANTISM. Identifiers: Orphanet 821, MedGen C0175695, MONDO:0019349, OMIM 117550.

Submissions (3):

Labcorp Genetics (formerly Invitae), Labcorp
Classification: Pathogenic. Last evaluated: 2022-05-20. Review status: criteria provided, single submitter. Criteria: Invitae Variant Classification Sherloc (09022015). Collection method: clinical testing. Allele origin: germline.
Comment: Advanced modeling of protein sequence and biophysical properties (such as structural, functional, and spatial information, amino acid conservation, physicochemical variation, residue mobility, and thermodynamic stability) performed at Invitae indicates that this missense variant is expected to disrupt NSD1 protein function. This sequence change replaces cysteine, which is neutral and slightly polar, with tyrosine, which is neutral and polar, at codon 2202 of the NSD1 protein (p.Cys2202Tyr). This variant is not present in population databases (gnomAD no frequency). This missense change has been observed in individual(s) with clinical features of Sotos syndrome (PMID: 16222665, 25533962, 29276005). It has also been observed to segregate with disease in related individuals. ClinVar contains an entry for this variant (Variation ID: 4146). This variant disrupts the p.Cys2202 amino acid residue in NSD1. Other variant(s) that disrupt this residue have been observed in individuals with NSD1-related conditions (PMID: 15452385, 29264563), which suggests that this may be a clinically significant amino acid residue. For these reasons, this variant has been classified as Pathogenic.

GeneDx
Classification: Likely pathogenic. Last evaluated: 2021-11-15. Review status: criteria provided, single submitter. Criteria: GeneDx Variant Classification Process June 2021. Collection method: clinical testing. Allele origin: germline. Affected: yes.
Comment: Observed as a confirmed de novo variant in an individual with global developmental delay and dysmorphic features (Fitzgerald et al., 2015); Not observed at significant frequency in large population cohorts (gnomAD); In silico analysis supports that this missense variant has a deleterious effect on protein structure/function; This variant is associated with the following publications: (PMID: 16222665, 29276005, 28135719, 29164086, 29264563, 15452385, 28191890, 31785789, 25533962)

OMIM
Classification: Pathogenic for SOTOS SYNDROME. Last evaluated: 2005-11-15. Review status: no assertion criteria provided. Collection method: literature only. Allele origin: germline. Not counted in ClinVar's aggregate classification.

Literature cited by the submitters: PubMed 16222665 (cited by Labcorp Genetics (formerly Invitae), Labcorp and OMIM); PubMed 25533962 (cited by Labcorp Genetics (formerly Invitae), Labcorp); PubMed 29276005 (cited by Labcorp Genetics (formerly Invitae), Labcorp); PubMed 15452385 (cited by Labcorp Genetics (formerly Invitae), Labcorp); PubMed 29264563 (cited by Labcorp Genetics (formerly Invitae), Labcorp).